The following is an entry in ClinVar:

ClinVar aggregate classification (germline): Uncertain significance (1 of 4 stars; one submission).

Conditions:
Primary ciliary dyskinesia. Also called: Ciliary dyskinesia. Identifiers: Orphanet 244, MedGen C0008780, MONDO:0016575, HP:0012265.

Submission:

Labcorp Genetics (formerly Invitae), Labcorp
Classification: Uncertain significance for Primary ciliary dyskinesia. Last evaluated: 2022-01-17. Review status: criteria provided, single submitter. Criteria: Invitae Variant Classification Sherloc (09022015). Collection method: clinical testing. Allele origin: germline.
Comment: In summary, the available evidence is currently insufficient to determine the role of this variant in disease. Therefore, it has been classified as a Variant of Uncertain Significance. Advanced modeling of protein sequence and biophysical properties (such as structural, functional, and spatial information, amino acid conservation, physicochemical variation, residue mobility, and thermodynamic stability) performed at Invitae indicates that this missense variant is not expected to disrupt DNAH5 protein function. This missense change has been observed in individual(s) with clinical features of DNAH5-related conditions (Invitae). This variant is not present in population databases (gnomAD no frequency). This sequence change replaces glycine, which is neutral and non-polar, with glutamic acid, which is acidic and polar, at codon 2602 of the DNAH5 protein (p.Gly2602Glu).

NM_001369.3(DNAH5):c.7805G>A (p.Gly2602Glu)

Gene: DNAH5 (dynein axonemal heavy chain 5; minus strand). Cytogenetic location: 5p15.2.
Variant type: single nucleotide variant.
Coding change: c.7805G>A on transcript NM_001369.3 (MANE Select); coding-DNA position 7805, G replaced by A.
Protein change: p.Gly2602Glu; replaces glycine 2602 with glutamic acid.
Molecular consequence: missense variant.
Genome position (GRCh38, 1-based): chr5:13,807,673, C>T on the plus strand (G>A on the coding strand, the complement: DNAH5 is on the minus strand). VCF-style: chr5-13807673-C-T. GRCh37 (hg19) VCF-style: chr5-13807782-C-T.
Other names: short protein forms G2602E.
Identifiers: ClinVar variation 2066535 (VCV002066535.4), dbSNP rs199901657, ClinGen allele CA113976500.